The following is an entry in ClinVar:

ClinVar aggregate classification (germline): Uncertain significance (1 of 4 stars; one submission).

Conditions:
Haddad syndrome (OHD). Also called: Ondine-Hirschsprung disease. Identifiers: Orphanet 99803, MedGen C1859049, MONDO:0020493.

Submission:

Labcorp Genetics (formerly Invitae), Labcorp
Classification: Uncertain significance for Haddad syndrome. Last evaluated: 2023-07-10. Review status: criteria provided, single submitter. Criteria: Invitae Variant Classification Sherloc (09022015). Collection method: clinical testing. Allele origin: germline.
Comment: This variant is not present in population databases (gnomAD no frequency). This sequence change replaces glycine, which is neutral and non-polar, with arginine, which is basic and polar, at codon 225 of the PHOX2B protein (p.Gly225Arg). This variant has not been reported in the literature in individuals affected with PHOX2B-related conditions. In summary, the available evidence is currently insufficient to determine the role of this variant in disease. Therefore, it has been classified as a Variant of Uncertain Significance. Advanced modeling of protein sequence and biophysical properties (such as structural, functional, and spatial information, amino acid conservation, physicochemical variation, residue mobility, and thermodynamic stability) performed at Invitae indicates that this missense variant is not expected to disrupt PHOX2B protein function.

NM_003924.4(PHOX2B):c.673G>C (p.Gly225Arg)

Gene: PHOX2B (paired like homeobox 2B; minus strand). Cytogenetic location: 4p13.
Variant type: single nucleotide variant.
Coding change: c.673G>C on transcript NM_003924.4 (MANE Select); coding-DNA position 673, G replaced by C.
Protein change: p.Gly225Arg; replaces glycine 225 with arginine.
Molecular consequence: missense variant.
Genome position (GRCh38, 1-based): chr4:41,746,079, C>G on the plus strand (G>C on the coding strand, the complement: PHOX2B is on the minus strand). VCF-style: chr4-41746079-C-G. GRCh37 (hg19) VCF-style: chr4-41748096-C-G.
Other names: short protein forms G225R.
Identifiers: ClinVar variation 2778902 (VCV002778902.3), dbSNP rs112987541, ClinGen allele CA356737438.